The following is an entry in ClinVar:

ClinVar aggregate classification (germline): Likely benign. Review status: criteria provided, single submitter (1 of 4 stars). 2 submissions from 2 submitters: Likely benign (1). 1 of the submissions does not count toward it. Last evaluated 2024-02-24.

Conditions:
Encephalopathy, acute, infection-induced (herpes-specific), susceptibility to, 1. Also called: Herpes simplex encephalitis, susceptibility to, 1. Identifiers: Orphanet 1930, MedGen C2750180, MONDO:0024563, OMIM 610551.
UNC93B1-related disorder. Also called: UNC93B1 related condition.

Allele frequency attached by ClinVar (database versions not stated): TOPMed below 0.00001; gnomAD exomes 0.00001; ExAC 0.00004.

Submissions (2):

Labcorp Genetics (formerly Invitae), Labcorp
Classification: Likely benign for Encephalopathy, acute, infection-induced (herpes-specific), susceptibility to, 1. Last evaluated: 2024-02-24. Review status: criteria provided, single submitter. Criteria: Invitae Variant Classification Sherloc (09022015). Collection method: clinical testing. Allele origin: germline.

PreventionGenetics, part of Exact Sciences
Classification: Likely benign for UNC93B1-related condition. Last evaluated: 2019-03-06. Review status: no assertion criteria provided. Collection method: clinical testing. Allele origin: germline. Not counted in ClinVar's aggregate classification.
Comment: This variant is classified as likely benign based on ACMG/AMP sequence variant interpretation guidelines (Richards et al. 2015 PMID: 25741868, with internal and published modifications).

NM_030930.4(UNC93B1):c.516C>T (p.Ile172=)

Gene: UNC93B1 (unc-93B1 regulator of TLR signaling; minus strand). Cytogenetic location: 11q13.2.
Variant type: single nucleotide variant.
Coding change: c.516C>T on transcript NM_030930.4 (MANE Select); coding-DNA position 516, C replaced by T.
Protein change: p.Ile172=; no amino-acid change (isoleucine 172 retained).
Molecular consequence: synonymous variant.
Genome position (GRCh38, 1-based): chr11:67,999,557, G>A on the plus strand (C>T on the coding strand, the complement: UNC93B1 is on the minus strand). VCF-style: chr11-67999557-G-A. GRCh37 (hg19) VCF-style: chr11-67767027-G-A.
Other names: c.516C>T (NM_030930.3).
Identifiers: ClinVar variation 2140972 (VCV002140972.5), dbSNP rs768584550, ClinGen allele CA6145640.